The following is an entry in ClinVar:

ClinVar aggregate classification (germline): Conflicting classifications of pathogenicity. Review status: criteria provided, conflicting classifications (1 of 4 stars). 3 submissions from 3 submitters: Uncertain significance (1); Likely benign (2). Last evaluated 2026-01-01.

Conditions:
Perlman syndrome (PRLMNS). Identifiers: Orphanet 2849, MedGen C0796113, MONDO:0009965, OMIM 267000.

Allele frequency attached by ClinVar (database versions not stated): ExAC 0.00002; gnomAD exomes 0.00002 and 0.00003; TOPMed 0.00004; gnomAD 0.00007.
gnomAD v4.1: 35 of 1,610,578 alleles (0.0022%); highest among the groups gnomAD compares: Middle Eastern, 0.016%; no homozygotes.

Submissions (3):

CeGaT Center for Human Genetics Tuebingen
Classification: Likely benign. Last evaluated: 2026-01-01. Review status: criteria provided, single submitter. Criteria: CeGaT Center For Human Genetics Tuebingen Variant Classification Criteria Version 2. Collection method: clinical testing. Allele origin: germline. Affected: yes. Observed: 1 variant allele.
Comment: DIS3L2: BP4, BP7

Labcorp Genetics (formerly Invitae), Labcorp
Classification: Likely benign for Perlman syndrome. Last evaluated: 2025-10-27. Review status: criteria provided, single submitter. Criteria: Invitae Variant Classification Sherloc (09022015). Collection method: clinical testing. Allele origin: germline.

Illumina Laboratory Services, Illumina
Classification: Uncertain significance for Perlman syndrome. Last evaluated: 2018-01-12. Review status: criteria provided, single submitter. Criteria: ICSL Variant Classification Criteria 13 December 2019. Collection method: clinical testing. Allele origin: germline.

NM_152383.5(DIS3L2):c.1908C>T (p.Ser636=)

Gene: DIS3L2 (DIS3 like 3'-5' exoribonuclease 2; plus strand). Cytogenetic location: 2q37.1.
Variant type: single nucleotide variant.
Coding change: c.1908C>T on transcript NM_152383.5 (MANE Select); coding-DNA position 1908, C replaced by T.
Protein change: p.Ser636=; no amino-acid change (serine 636 retained).
Molecular consequence: synonymous variant. On other transcripts: non-coding transcript variant (2), intron variant (1).
Genome position (GRCh38, 1-based): chr2:232,329,981, C>T. VCF-style: chr2-232329981-C-T. GRCh37 (hg19) VCF-style: chr2-233194691-C-T.
Other names: c.1582-13364C>T (NM_001257281.2).
Identifiers: ClinVar variation 334942 (VCV000334942.20), dbSNP rs778830625, ClinGen allele CA2164297.
Genomic context (GRCh38, chr2:232,329,981, plus strand): 5'-GATGCTCAGTGACCTGGTGGAATTCTGCGACCAGATGGGGCTGCCCGTGGACTTCAGCTC[C>T]GCAGGAGCCCTCAATGTGAGTGGTGGGCAGGATTCGGGGGAGGCCCTGCTTGGGGGAAAG-3'
Protein context (NP_689596.4, residues 626-646): DQMGLPVDFS[Ser636=]AGALNKSLTQ